The following is an entry in ClinVar:

NM_021005.4(NR2F2):c.865A>T (p.Met289Leu)

Gene: NR2F2 (nuclear receptor subfamily 2 group F member 2; plus strand). Cytogenetic location: 15q26.2.
Variant type: single nucleotide variant.
Coding change: c.865A>T on transcript NM_021005.4 (MANE Select); coding-DNA position 865, A replaced by T.
Protein change: p.Met289Leu; replaces methionine 289 with leucine.
Molecular consequence: missense variant.
Genome position (GRCh38, 1-based): chr15:96,334,498, A>T. VCF-style: chr15-96334498-A-T. GRCh37 (hg19) VCF-style: chr15-96877727-A-T.
Other names: c.466A>T, p.Met156Leu (NM_001145155.2); c.406A>T, p.Met136Leu (NM_001145156.1, NM_001145157.2); short protein forms M136L, M156L, M289L.
Identifiers: ClinVar variation 5018163 (VCV005018163.1).
Genomic context (GRCh38, chr15:96,334,498, plus strand): 5'-CTCCTGGCCGCCGCCGGCCTGCATGCTTCGCCCATGTCCGCCGACCGGGTGGTCGCCTTT[A>T]TGGACCACATACGGATCTTCCAAGAGCAAGTGGAGAAGCTCAAGGCGCTGCACGTTGACT-3'
Protein context (NP_066285.1, residues 279-299): PMSADRVVAF[Met289Leu]DHIRIFQEQV

ClinVar aggregate classification (germline): Uncertain significance (1 of 4 stars; one submission).

Submission:

GeneDx
Classification: Uncertain significance. Last evaluated: 2026-04-02. Review status: criteria provided, single submitter. Criteria: GeneDx Variant Classification Process June 2021. Collection method: clinical testing. Allele origin: germline.
Comment: Not observed at significant frequency in large population cohorts (gnomAD); In silico analysis supports that this missense variant has a deleterious effect on protein structure/function; Has not been previously published as pathogenic or benign to our knowledge